The following is an entry in ClinVar:

NM_001025616.3(ARHGAP24):c.358A>G (p.Ile120Val)

Gene: ARHGAP24 (Rho GTPase activating protein 24; plus strand). Cytogenetic location: 4q21.23.
Variant type: single nucleotide variant.
Coding change: c.358A>G on transcript NM_001025616.3 (MANE Select); coding-DNA position 358, A replaced by G.
Protein change: p.Ile120Val; replaces isoleucine 120 with valine.
Molecular consequence: missense variant. On other transcripts: 5 prime UTR variant (1).
Genome position (GRCh38, 1-based): chr4:85,923,737, A>G. VCF-style: chr4-85923737-A-G. GRCh37 (hg19) VCF-style: chr4-86844890-A-G.
Other names: c.73A>G, p.Ile25Val (NM_001042669.2); c.103A>G, p.Ile35Val (NM_001287805.2); c.-14A>G (NM_001346093.2); short protein forms I35V, I120V, I25V.
Identifiers: ClinVar variation 2522668 (VCV002522668.4), dbSNP rs753544109, ClinGen allele CA2994414.

ClinVar aggregate classification (germline): Uncertain significance. Review status: criteria provided, multiple submitters, no conflicts (2 of 4 stars). 2 submissions from 2 submitters: Uncertain significance (2). Last evaluated 2024-11-27.

Allele frequency attached by ClinVar (database versions not stated): ExAC 0.00001; TOPMed 0.00001; gnomAD exomes 0.00002.
gnomAD v4.1: 22 of 1,614,014 alleles (0.0014%); highest among the groups gnomAD compares: Non-Finnish European, 0.0018%; no homozygotes.

Submissions (2):

Labcorp Genetics (formerly Invitae), Labcorp
Classification: Uncertain significance. Last evaluated: 2024-11-27. Review status: criteria provided, single submitter. Criteria: Invitae Variant Classification Sherloc (09022015). Collection method: clinical testing. Allele origin: germline.
Comment: This sequence change replaces isoleucine, which is neutral and non-polar, with valine, which is neutral and non-polar, at codon 120 of the ARHGAP24 protein (p.Ile120Val). This variant is present in population databases (rs753544109, gnomAD 0.007%). This variant has not been reported in the literature in individuals affected with ARHGAP24-related conditions. ClinVar contains an entry for this variant (Variation ID: 2522668). An algorithm developed to predict the effect of missense changes on protein structure and function (PolyPhen-2) suggests that this variant is likely to be disruptive. In summary, the available evidence is currently insufficient to determine the role of this variant in disease. Therefore, it has been classified as a Variant of Uncertain Significance.

Ambry Genetics
Classification: Uncertain significance. Last evaluated: 2023-05-08. Review status: criteria provided, single submitter. Criteria: Ambry Variant Classification Scheme 2023. Collection method: clinical testing. Allele origin: germline.